The following is an entry in ClinVar:

NM_052989.3(IFT122):c.618T>G (p.Ile206Met)

Gene: IFT122 (intraflagellar transport 122; plus strand). Cytogenetic location: 3q21.3.
Variant type: single nucleotide variant.
Coding change: c.618T>G on transcript NM_052989.3 (MANE Select); coding-DNA position 618, T replaced by G.
Protein change: p.Ile206Met; replaces isoleucine 206 with methionine.
Molecular consequence: missense variant. On other transcripts: intron variant (4).
Genome position (GRCh38, 1-based): chr3:129,466,944, T>G. VCF-style: chr3-129466944-T-G. GRCh37 (hg19) VCF-style: chr3-129185787-T-G.
Other names: c.168T>G, p.Ile56Met (NM_001280545.2); c.771T>G, p.Ile257Met (NM_052985.4); c.716+2163T>G (NM_001280541.2); c.563+2163T>G (NM_018262.4); c.113+2163T>G (NM_001280546.2); c.407+2163T>G (NM_052990.3); short protein forms I56M, I206M, I257M.
Identifiers: ClinVar variation 653207 (VCV000653207.8), dbSNP rs1320096747, ClinGen allele CA354469603.

ClinVar aggregate classification (germline): Uncertain significance (1 of 4 stars; one submission).

Conditions:
Cranioectodermal dysplasia 1 (CED1). Also called: LEVIN SYNDROME I. Identifiers: Orphanet 1515, MedGen C0432235, MONDO:0021093, OMIM 218330.

Allele frequency attached by ClinVar (database versions not stated): gnomAD exomes below 0.00001; TOPMed below 0.00001.
gnomAD v4.1: 1 of 1,614,214 alleles (0.000062%); highest among the groups gnomAD compares: Admixed American, 0.0017%; no homozygotes.

Submission:

Labcorp Genetics (formerly Invitae), Labcorp
Classification: Uncertain significance for Cranioectodermal dysplasia 1. Last evaluated: 2018-09-18. Review status: criteria provided, single submitter. Criteria: Invitae Variant Classification Sherloc (09022015). Collection method: clinical testing. Allele origin: germline.
Comment: This sequence change replaces isoleucine with methionine at codon 257 of the IFT122 protein (p.Ile257Met). The isoleucine residue is weakly conserved and there is a small physicochemical difference between isoleucine and methionine. This variant is not present in population databases (ExAC no frequency). This variant has not been reported in the literature in individuals with IFT122-related disease. Algorithms developed to predict the effect of missense changes on protein structure and function output the following: SIFT: "Tolerated"; PolyPhen-2: "Benign"; Align-GVGD: "Class C0". The methionine amino acid residue is found in multiple mammalian species, suggesting that this missense change does not adversely affect protein function. These predictions have not been confirmed by published functional studies and their clinical significance is uncertain. In summary, the available evidence is currently insufficient to determine the role of this variant in disease. Therefore, it has been classified as a Variant of Uncertain Significance.